The following is an entry in ClinVar:

NM_000388.4(CASR):c.1750A>T (p.Lys584Ter)

Gene: CASR (calcium sensing receptor; plus strand). Cytogenetic location: 3q21.1.
Variant type: single nucleotide variant.
Coding change: c.1750A>T on transcript NM_000388.4 (MANE Select); coding-DNA position 1750, A replaced by T.
Protein change: p.Lys584Ter; replaces lysine 584 with a stop codon.
Molecular consequence: nonsense.
Genome position (GRCh38, 1-based): chr3:122,283,704, A>T. VCF-style: chr3-122283704-A-T. GRCh37 (hg19) VCF-style: chr3-122002551-A-T.
Other names: c.1780A>T, p.Lys594Ter (NM_001178065.2); short protein forms K584*, K594*.
Identifiers: ClinVar variation 390375 (VCV000390375.2), dbSNP rs1057523748, ClinGen allele CA16604350.

ClinVar aggregate classification (germline): Likely pathogenic (1 of 4 stars; one submission).

Submission:

GeneDx
Classification: Likely pathogenic. Last evaluated: 2016-10-20. Review status: criteria provided, single submitter. Criteria: GeneDx Variant Classification (06012015). Collection method: clinical testing. Allele origin: germline. Affected: yes.
Comment: A novel K584X nonsense variant that is likely pathogenic was identified in the CASR gene. It has not been published as a pathogenic variant, nor has it been reported as a benign variant to our knowledge. While the K584X variant is predicted to cause protein truncation, models do not predict it to result in nonsense-mediated mRNA decay. In the absence of RNA/functional studies, the actual effect of the variant in this individual is unknown. Therefore, this variant is likely pathogenic; however, the possibility that it is benign cannot be excluded.